The following is an entry in ClinVar:

NM_172362.3(KCNH1):c.326T>A (p.Phe109Tyr)

Gene: KCNH1 (potassium voltage-gated channel subfamily H member 1; minus strand). Cytogenetic location: 1q32.2.
Variant type: single nucleotide variant.
Coding change: c.326T>A on transcript NM_172362.3 (MANE Select); coding-DNA position 326, T replaced by A.
Protein change: p.Phe109Tyr; replaces phenylalanine 109 with tyrosine.
Molecular consequence: missense variant.
Genome position (GRCh38, 1-based): chr1:211,090,675, A>T on the plus strand (T>A on the coding strand, the complement: KCNH1 is on the minus strand). VCF-style: chr1-211090675-A-T. GRCh37 (hg19) VCF-style: chr1-211264017-A-T.
Other names: c.326T>A, p.Phe109Tyr (NM_002238.4); short protein forms F109Y.
Identifiers: ClinVar variation 3633743 (VCV003633743.2).

ClinVar aggregate classification (germline): Uncertain significance (1 of 4 stars; one submission).

Submission:

Labcorp Genetics (formerly Invitae), Labcorp
Classification: Uncertain significance. Last evaluated: 2024-12-22. Review status: criteria provided, single submitter. Criteria: Invitae Variant Classification Sherloc (09022015). Collection method: clinical testing. Allele origin: germline.
Comment: This sequence change replaces phenylalanine, which is neutral and non-polar, with tyrosine, which is neutral and polar, at codon 109 of the KCNH1 protein (p.Phe109Tyr). This variant is present in population databases (rs747328547, gnomAD 0.0009%). This variant has not been reported in the literature in individuals affected with KCNH1-related conditions. Invitae Evidence Modeling of protein sequence and biophysical properties (such as structural, functional, and spatial information, amino acid conservation, physicochemical variation, residue mobility, and thermodynamic stability) has been performed for this missense variant. However, the output from this modeling did not meet the statistical confidence thresholds required to predict the impact of this variant on KCNH1 protein function. In summary, the available evidence is currently insufficient to determine the role of this variant in disease. Therefore, it has been classified as a Variant of Uncertain Significance.